The following is an entry in ClinVar:

ClinVar aggregate classification (germline): Uncertain significance (1 of 4 stars; one submission).

Conditions:
MYH7B-related disorder. Also called: MYH7B-related condition.

gnomAD v4.1: 7 of 1,612,842 alleles (0.00043%); highest among the groups gnomAD compares: East Asian, 0.011%; no homozygotes.

Submission:

3billion
Classification: Uncertain significance for MYH7B-related disorder. Last evaluated: 2025-08-01. Review status: criteria provided, single submitter. Criteria: ACMG Guidelines, 2015. Collection method: clinical testing. Allele origin: germline. Affected: yes.
Comment: The variant is observed at an extremely low frequency in the gnomAD v4.1.0 dataset (total allele frequency: <0.001%). Predicted Consequence/Location: Canonical splice site: predicted to alter splicing and result in a loss or disruption of normal protein function. Therefore, this variant is classified as VUS according to the recommendation of ACMG/AMP guideline.

NM_020884.7(MYH7B):c.4781+1G>A

Gene: MYH7B (myosin heavy chain 7B; plus strand). Cytogenetic location: 20q11.22.
Variant type: single nucleotide variant.
Coding change: c.4781+1G>A on transcript NM_020884.7 (MANE Select); the canonical splice donor site of the intron after coding-DNA position 4781, G replaced by A.
Molecular consequence: splice donor variant.
Genome position (GRCh38, 1-based): chr20:34,999,907, G>A. VCF-style: chr20-34999907-G-A. GRCh37 (hg19) VCF-style: chr20-33587710-G-A.
Identifiers: ClinVar variation 4854383 (VCV004854383.1).